The following is an entry in ClinVar:

ClinVar aggregate classification (germline): Uncertain significance (1 of 4 stars; one submission).

gnomAD v4.1: 1 of 1,613,422 alleles (0.000062%); highest among the groups gnomAD compares: Non-Finnish European, 0.000085%; no homozygotes.

Submission:

Athena Diagnostics
Classification: Uncertain significance. Last evaluated: 2024-10-30. Review status: criteria provided, single submitter. Criteria: Athena Diagnostics Criteria. Collection method: clinical testing. Allele origin: unknown.
Comment: Available data are insufficient to determine the clinical significance of the variant at this time. The frequency of this variant in the general population is uninformative in assessment of its pathogenicity. Polyphen and MutationTaster predict this amino acid change may be damaging to the protein.

NM_014053.4(FLVCR1):c.1331C>T (p.Pro444Leu)

Gene: FLVCR1 (FLVCR choline and heme transporter 1; plus strand). Cytogenetic location: 1q32.3.
Variant type: single nucleotide variant.
Coding change: c.1331C>T on transcript NM_014053.4 (MANE Select); coding-DNA position 1331, C replaced by T.
Protein change: p.Pro444Leu; replaces proline 444 with leucine.
Molecular consequence: missense variant.
Genome position (GRCh38, 1-based): chr1:212,888,512, C>T. VCF-style: chr1-212888512-C-T. GRCh37 (hg19) VCF-style: chr1-213061854-C-T.
Other names: short protein forms P444L.
Identifiers: ClinVar variation 3571867 (VCV003571867.1).
Genomic context (GRCh38, chr1:212,888,512, plus strand): 5'-GGTAGTTCTTTCTGTAATTCTGGATTTATTTTCCTAGCTTCTTCATGACTGGTTACCTCC[C>T]TTTGGGTTTTGAATTTGCTGTTGAAATCACTTACCCTGAATCTGAAGGTACTTCATCTGG-3'
Protein context (NP_054772.1, residues 434-454): VLGFFMTGYL[Pro444Leu]LGFEFAVEIT